The following is an entry in ClinVar:

ClinVar aggregate classification (germline): Uncertain significance (1 of 4 stars; one submission).

Submission:

GeneDx
Classification: Uncertain significance. Last evaluated: 2022-03-01. Review status: criteria provided, single submitter. Criteria: GeneDx Variant Classification Process June 2021. Collection method: clinical testing. Allele origin: germline. Affected: yes.
Comment: Not observed at significant frequency in large population cohorts (gnomAD); In silico analysis supports that this missense variant has a deleterious effect on protein structure/function; Has not been previously published as pathogenic or benign to our knowledge

NM_000090.4(COL3A1):c.550C>A (p.Pro184Thr)

Gene: COL3A1 (collagen type III alpha 1 chain; plus strand). Cytogenetic location: 2q32.2.
Variant type: single nucleotide variant.
Coding change: c.550C>A on transcript NM_000090.4 (MANE Select); coding-DNA position 550, C replaced by A.
Protein change: p.Pro184Thr; replaces proline 184 with threonine.
Molecular consequence: missense variant.
Genome position (GRCh38, 1-based): chr2:188,988,102, C>A. VCF-style: chr2-188988102-C-A. GRCh37 (hg19) VCF-style: chr2-189852828-C-A.
Other names: short protein forms P184T.
Identifiers: ClinVar variation 1703895 (VCV001703895.2), dbSNP rs2153501739, ClinGen allele CA349848242.